The following is an entry in ClinVar:

NM_025074.7(FRAS1):c.4869del (p.Glu1624fs)

Gene: FRAS1 (Fraser extracellular matrix complex subunit 1; plus strand). Cytogenetic location: 4q21.21.
Variant type: Deletion.
Coding change: c.4869del on transcript NM_025074.7 (MANE Select); coding-DNA position 4869, one base deleted (T; older notation c.4869delT).
Protein change: p.Glu1624fs; shifts the reading frame from glutamic acid 1624.
Molecular consequence: frameshift variant.
Genome position (GRCh38, 1-based): chr4:78,430,317, T deleted. VCF-style (leftmost placement, unchanged base first): chr4-78430316-CT-C. GRCh37 (hg19) VCF-style: chr4-79351470-CT-C.
Other names: c.4869delT (NM_025074.7); c.4869del, p.Glu1624fs (NM_001166133.2); short protein forms E1624fs.
Identifiers: ClinVar variation 3899999 (VCV003899999.1).
Genomic context (GRCh38, chr4:78,430,316, plus strand): 5'-TTTCTCTCTCACCACGCTTCCTTCTCCTTGCTGCAGGACTTCAGGTGGTAGTAAGAGATG[CT>C]GAGACAGCGCCCAAAGAACTCTTCTTTGAGCTTCGGAGACCTCCACAGCATGGTGTGCTT-3'

ClinVar aggregate classification (germline): Pathogenic (1 of 4 stars; one submission).

Conditions:
Fraser syndrome 1 (FRASRS1). Also called: CRYPTOPHTHALMOS WITH OTHER MALFORMATIONS. Identifiers: Orphanet 2052, MedGen C4551480, MONDO:0054737, OMIM 219000.

Submission:

Gharavi Laboratory, Columbia University
Classification: Pathogenic for Fraser syndrome 1. Last evaluated: 2024-11-05. Review status: criteria provided, single submitter. Criteria: ACMG Guidelines, 2015. Collection method: case-control. Allele origin: germline. Affected: yes.
Comment: Compound heterozygote with NM_025074.7:c.7084C>T

ENST00000264895